The following is an entry in ClinVar:

ClinVar aggregate classification (germline): Uncertain significance (1 of 4 stars; one submission).

Allele frequency attached by ClinVar (database versions not stated): TOPMed 0.00010; gnomAD 0.00016.
gnomAD v4.1: 44 of 1,614,114 alleles (0.0027%); highest among the groups gnomAD compares: Admixed American, 0.07%; 1 homozygote.

Submission:

Labcorp Genetics (formerly Invitae), Labcorp
Classification: Uncertain significance. Last evaluated: 2024-10-24. Review status: criteria provided, single submitter. Criteria: Invitae Variant Classification Sherloc (09022015). Collection method: clinical testing. Allele origin: germline.
Comment: This sequence change replaces serine, which is neutral and polar, with glycine, which is neutral and non-polar, at codon 188 of the PPP1R15B protein (p.Ser188Gly). This variant is present in population databases (rs376785542, gnomAD 0.04%). This variant has not been reported in the literature in individuals affected with PPP1R15B-related conditions. Invitae Evidence Modeling of protein sequence and biophysical properties (such as structural, functional, and spatial information, amino acid conservation, physicochemical variation, residue mobility, and thermodynamic stability) indicates that this missense variant is not expected to disrupt PPP1R15B protein function with a negative predictive value of 80%. In summary, the available evidence is currently insufficient to determine the role of this variant in disease. Therefore, it has been classified as a Variant of Uncertain Significance.

NM_032833.5(PPP1R15B):c.562A>G (p.Ser188Gly)

Gene: PPP1R15B (protein phosphatase 1 regulatory subunit 15B; minus strand). Cytogenetic location: 1q32.1.
Variant type: single nucleotide variant.
Coding change: c.562A>G on transcript NM_032833.5 (MANE Select); coding-DNA position 562, A replaced by G.
Protein change: p.Ser188Gly; replaces serine 188 with glycine.
Molecular consequence: missense variant.
Genome position (GRCh38, 1-based): chr1:204,410,850, T>C on the plus strand (A>G on the coding strand, the complement: PPP1R15B is on the minus strand). VCF-style: chr1-204410850-T-C. GRCh37 (hg19) VCF-style: chr1-204379978-T-C.
Other names: short protein forms S188G.
Identifiers: ClinVar variation 2721225 (VCV002721225.3), dbSNP rs376785542, ClinGen allele CA35772854.
Genomic context (GRCh38, chr1:204,410,850, plus strand): 5'-GAGGCCCAGAGGGCGAAGAGCCAAGTTCCCGGTTAGAGTACAGACGGGATTGAAGGCTAC[T>C]GGGCAACAGCTCCACTCCCCACAGCTGCTGCTCTAAGAGAAAAGCCTGTGCTGCAGGGTC-3'
Protein context (NP_116222.4, residues 178-198): QQLWGVELLP[Ser188Gly]SLQSRLYSNR